The following is an entry in ClinVar:

ClinVar aggregate classification (germline): Likely benign. Review status: criteria provided, multiple submitters, no conflicts (2 of 4 stars). 2 submissions from 2 submitters: Likely benign (2). Last evaluated 2025-05-27.

Conditions:
Glycogen storage disease IXa1. Also called: LIVER GLYCOGENOSIS, X-LINKED, TYPE I; GLYCOGEN STORAGE DISEASE VIII; GSD VIII; Glycogen storage disease 8. Identifiers: Orphanet 264580, MedGen C3694531, MONDO:0010598, OMIM 306000.

Allele frequency attached by ClinVar (database versions not stated): gnomAD exomes 0.00001 and 0.00003; ExAC 0.00002; TOPMed 0.00003; gnomAD 0.00005 and 0.00006.
gnomAD v4.1: 20 of 1,210,373 alleles (0.0017%); highest among the groups gnomAD compares: Non-Finnish European, 0.0021%; no homozygotes.

Submissions (2):

Labcorp Genetics (formerly Invitae), Labcorp
Classification: Likely benign for Glycogen storage disease IXa1. Last evaluated: 2025-05-27. Review status: criteria provided, single submitter. Criteria: Invitae Variant Classification Sherloc (09022015). Collection method: clinical testing. Allele origin: germline.

Mayo Clinic Laboratories, Mayo Clinic
Classification: Likely benign. Last evaluated: 2024-11-08. Review status: criteria provided, single submitter. Criteria: ACMG Guidelines, 2015. Collection method: clinical testing. Allele origin: germline. Observed: 1 variant allele.
Comment: BS2, BP4, BP7, PM2_supporting

NM_000292.3(PHKA2):c.3567G>A (p.Glu1189=)

Genes: PHKA2-AS1 (PHKA2 antisense RNA 1; plus strand), PHKA2 (phosphorylase kinase regulatory subunit alpha 2; minus strand). Cytogenetic location: Xp22.13.
Variant type: single nucleotide variant.
Coding change: c.3567G>A on transcript NM_000292.3 (MANE Select); coding-DNA position 3567, G replaced by A.
Protein change: p.Glu1189=; no amino-acid change (glutamic acid 1189 retained).
Molecular consequence: synonymous variant.
Genome position (GRCh38, 1-based): chrX:18,893,626, C>T on the plus strand (G>A on the coding strand, the complement: PHKA2 is on the minus strand). VCF-style: chrX-18893626-C-T. GRCh37 (hg19) VCF-style: chrX-18911744-C-T.
Other names: p.Glu1189=.
Identifiers: ClinVar variation 1587403 (VCV001587403.9), dbSNP rs773943898, ClinGen allele CA10361259.